The following is an entry in ClinVar:

ClinVar aggregate classification (germline): Uncertain significance (1 of 4 stars; one submission).

Conditions:
Imagawa-Matsumoto syndrome. Identifiers: Orphanet 659463, MedGen C5394073, MONDO:0032916, OMIM 618786.

Submission:

3billion
Classification: Uncertain significance for Imagawa-Matsumoto syndrome. Last evaluated: 2025-07-08. Review status: criteria provided, single submitter. Criteria: ACMG Guidelines, 2015. Collection method: clinical testing. Allele origin: germline. Affected: yes.
Comment: The variant is observed at an extremely low frequency in the gnomAD v4.1.0 dataset (total allele frequency: <0.001%). Predicted Consequence/Location: Missense variant In silico tool predictions suggest damaging effect of the variant on gene or gene product [REVEL: 0.78 (>=0.6, sensitivity 0.68 and specificity 0.92); 3Cnet: 0.94 (> 0.75, sensitivity 0.96 and precision 0.92)]. Therefore, this variant is classified as VUS according to the recommendation of ACMG/AMP guideline.

NM_015355.4(SUZ12):c.1813G>A (p.Asp605Asn)

Gene: SUZ12 (SUZ12 polycomb repressive complex 2 subunit; plus strand). Cytogenetic location: 17q11.2.
Variant type: single nucleotide variant.
Coding change: c.1813G>A on transcript NM_015355.4 (MANE Select); coding-DNA position 1813, G replaced by A.
Protein change: p.Asp605Asn; replaces aspartic acid 605 with asparagine.
Molecular consequence: missense variant.
Genome position (GRCh38, 1-based): chr17:31,996,816, G>A. VCF-style: chr17-31996816-G-A. GRCh37 (hg19) VCF-style: chr17-30323835-G-A.
Other names: c.1744G>A, p.Asp582Asn (NM_001321207.2); short protein forms D582N, D605N.
Identifiers: ClinVar variation 4854480 (VCV004854480.1).
Genomic context (GRCh38, chr17:31,996,816, plus strand): 5'-TAAAATATGTGTTTAATAGGTGTTTTTCTTTCTTTTTCCCAGCAAATTGAAGAGTTTTCT[G>A]ATGTTAATGAAGGAGAGAAAGAAGTGATGAAACTCTGGAATCTCCATGTCATGAAGCATG-3'
Protein context (NP_056170.2, residues 595-615): KTITQIEEFS[Asp605Asn]VNEGEKEVMK